The following is an entry in ClinVar:

NM_004859.4(CLTC):c.3592A>G (p.Ile1198Val)

Gene: CLTC (clathrin heavy chain; plus strand). Cytogenetic location: 17q23.1.
Variant type: single nucleotide variant.
Coding change: c.3592A>G on transcript NM_004859.4 (MANE Select); coding-DNA position 3592, A replaced by G.
Protein change: p.Ile1198Val; replaces isoleucine 1198 with valine.
Molecular consequence: missense variant.
Genome position (GRCh38, 1-based): chr17:59,682,420, A>G. VCF-style: chr17-59682420-A-G. GRCh37 (hg19) VCF-style: chr17-57759781-A-G.
Other names: c.3604A>G, p.Ile1202Val (NM_001288653.2); short protein forms I1198V, I1202V.
Identifiers: ClinVar variation 1715935 (VCV001715935.5), dbSNP rs2509152858, ClinGen allele CA400418163.
Genomic context (GRCh38, chr17:59,682,420, plus strand): 5'-GCTAAAACAAACCGCCTTGCAGAGTTAGAAGAATTTATCAATGGACCAAATAATGCTCAT[A>G]TCCAACAAGTGGGTTTCCTTTTCAGATTTAAGAAAAACTAGTTGGGCTACTTGATTAGCT-3'
Protein context (NP_004850.1, residues 1188-1208): EFINGPNNAH[Ile1198Val]QQVGDRCYDE

ClinVar aggregate classification (germline): Uncertain significance (1 of 4 stars; one submission).

Allele frequency attached by ClinVar (database versions not stated): gnomAD exomes below 0.00001.
gnomAD v4.1: 1 of 1,614,022 alleles (0.000062%); highest among the groups gnomAD compares: Non-Finnish European, 0.000085%; no homozygotes.

Submission:

Labcorp Genetics (formerly Invitae), Labcorp
Classification: Uncertain significance. Last evaluated: 2022-08-09. Review status: criteria provided, single submitter. Criteria: Invitae Variant Classification Sherloc (09022015). Collection method: clinical testing. Allele origin: germline.
Comment: This sequence change replaces isoleucine, which is neutral and non-polar, with valine, which is neutral and non-polar, at codon 1202 of the CLTC protein (p.Ile1202Val). This variant is not present in population databases (gnomAD no frequency). This variant has not been reported in the literature in individuals affected with CLTC-related conditions. Algorithms developed to predict the effect of missense changes on protein structure and function are either unavailable or do not agree on the potential impact of this missense change (SIFT: "Tolerated"; PolyPhen-2: "Not Available"; Align-GVGD: "Class C0"). In summary, the available evidence is currently insufficient to determine the role of this variant in disease. Therefore, it has been classified as a Variant of Uncertain Significance.